The following is an entry in ClinVar:

NM_000051.4(ATM):c.8321_8322delinsA (p.Val2774fs)

Genes: ATM (ATM serine/threonine kinase; plus strand), C11orf65 (chromosome 11 open reading frame 65; minus strand). Cytogenetic location: 11q22.3.
Variant type: Indel.
Coding change: c.8321_8322delinsA on transcript NM_000051.4 (MANE Select); coding-DNA positions 8321 to 8322, TC replaced by A.
Protein change: p.Val2774fs; shifts the reading frame from valine 2774.
Molecular consequence: frameshift variant. On other transcripts: intron variant (2).
Genome position (GRCh38, 1-based): chr11:108,343,274-108,343,275, TC replaced by A. VCF-style: chr11-108343274-TC-A. GRCh37 (hg19) VCF-style: chr11-108214001-TC-A.
Other names: c.8321_8322delinsA, p.Val2774fs (NM_001351834.2); c.641-34204_641-34203delinsT (NM_001330368.2); c.695-7983_695-7982delinsT (NM_001351110.2); short protein forms V2774fs.
Identifiers: ClinVar variation 407605 (VCV000407605.7), dbSNP rs1060501630, ClinGen allele CA16613164.

ClinVar aggregate classification (germline): Pathogenic. Review status: criteria provided, multiple submitters, no conflicts (2 of 4 stars). 2 submissions from 2 submitters: Pathogenic (2). Last evaluated 2022-08-16.

Conditions:
Hereditary cancer-predisposing syndrome. Also called: Neoplastic Syndromes, Hereditary; Hereditary Cancer Syndrome; Tumor predisposition; Hereditary neoplastic syndrome. Identifiers: Orphanet 140162, MedGen C0027672, MeSH D009386, MONDO:0015356.
Ataxia-telangiectasia syndrome (AT). Also called: LOUIS-BAR SYNDROME; Cerebello-oculocutaneous telangiectasia; Immunodeficiency with ataxia telangiectasia; Ataxia-telangiectasia, complementation group D; AT, COMPLEMENTATION GROUP C; Ataxia-telangiectasia, complementation group E. Identifiers: Orphanet 100, MedGen C0004135, MONDO:0008840, OMIM 208900.

Submissions (2):

Labcorp Genetics (formerly Invitae), Labcorp
Classification: Pathogenic for Ataxia-telangiectasia syndrome. Last evaluated: 2022-08-16. Review status: criteria provided, single submitter. Criteria: Invitae Variant Classification Sherloc (09022015). Collection method: clinical testing. Allele origin: germline.
Comment: For these reasons, this variant has been classified as Pathogenic. This variant has not been reported in the literature in individuals affected with ATM-related conditions. This variant is not present in population databases (gnomAD no frequency). This sequence change creates a premature translational stop signal (p.Val2774Aspfs*32) in the ATM gene. It is expected to result in an absent or disrupted protein product. Loss-of-function variants in ATM are known to be pathogenic (PMID: 23807571, 25614872).

Color Diagnostics, LLC DBA Color Health
Classification: Pathogenic for Hereditary cancer-predisposing syndrome. Last evaluated: 2020-01-15. Review status: criteria provided, single submitter. Criteria: ACMG Guidelines, 2015. Collection method: clinical testing. Allele origin: germline.
Comment: This variant is located in the ATM protein. Splice site prediction tools suggest that this variant may not impact RNA splicing. This variant has not been identified in the general population by the Genome Aggregation Database (gnomAD). Loss of ATM function is a known mechanism of disease. Based on the available evidence, this variant is classified as Pathogenic.

Literature cited by the submitters: PubMed 23807571 (cited by Labcorp Genetics (formerly Invitae), Labcorp); PubMed 25614872 (cited by Labcorp Genetics (formerly Invitae), Labcorp).